The following is an entry in ClinVar:

NM_014476.6(PDLIM3):c.201C>T (p.Asp67=)

Gene: PDLIM3 (PDZ and LIM domain 3; minus strand). Cytogenetic location: 4q35.1.
Variant type: single nucleotide variant.
Coding change: c.201C>T on transcript NM_014476.6 (MANE Select); coding-DNA position 201, C replaced by T.
Protein change: p.Asp67=; no amino-acid change (aspartic acid 67 retained).
Molecular consequence: synonymous variant. On other transcripts: non-coding transcript variant (1), intron variant (1).
Genome position (GRCh38, 1-based): chr4:185,525,064, G>A on the plus strand (C>T on the coding strand, the complement: PDLIM3 is on the minus strand). VCF-style: chr4-185525064-G-A. GRCh37 (hg19) VCF-style: chr4-186446218-G-A.
Other names: c.201C>T, p.Asp67= (NM_001114107.5, NM_001257962.2); c.93+10278C>T (NM_001257963.2).
Identifiers: ClinVar variation 512824 (VCV000512824.1), dbSNP rs1554039694, ClinGen allele CA442625603.

ClinVar aggregate classification (germline): Likely benign (1 of 4 stars; one submission).

Allele frequency attached by ClinVar (database versions not stated): gnomAD exomes below 0.00001.
gnomAD v4.1: 1 of 1,614,138 alleles (0.000062%); highest among the groups gnomAD compares: Non-Finnish European, 0.000085%; no homozygotes.

Submission:

GeneDx
Classification: Likely benign. Last evaluated: 2017-10-23. Review status: criteria provided, single submitter. Criteria: GeneDx Variant Classification (06012015). Collection method: clinical testing. Allele origin: germline. Affected: yes.
Comment: This variant is considered likely benign or benign based on one or more of the following criteria: it is a conservative change, it occurs at a poorly conserved position in the protein, it is predicted to be benign by multiple in silico algorithms, and/or has population frequency not consistent with disease.